The following is an entry in ClinVar:

ClinVar aggregate classification (germline): Uncertain significance (1 of 4 stars; one submission).

Conditions:
46,XY sex reversal 9 (SRXY9). Also called: 46,XY SEX REVERSAL, ZFPM2-RELATED. Identifiers: Orphanet 251510, MedGen C4015129, MONDO:0014480, OMIM 616067.

gnomAD v4.1: 4 of 1,613,766 alleles (0.00025%); highest among the groups gnomAD compares: Non-Finnish European, 0.00034%; no homozygotes.

Submission:

Labcorp Genetics (formerly Invitae), Labcorp
Classification: Uncertain significance for 46,XY sex reversal 9. Last evaluated: 2024-08-20. Review status: criteria provided, single submitter. Criteria: Invitae Variant Classification Sherloc (09022015). Collection method: clinical testing. Allele origin: germline.
Comment: This sequence change replaces phenylalanine, which is neutral and non-polar, with leucine, which is neutral and non-polar, at codon 932 of the ZFPM2 protein (p.Phe932Leu). This variant is present in population databases (rs776226503, gnomAD 0.002%). This variant has not been reported in the literature in individuals affected with ZFPM2-related conditions. An algorithm developed to predict the effect of missense changes on protein structure and function (PolyPhen-2) suggests that this variant is likely to be disruptive. In summary, the available evidence is currently insufficient to determine the role of this variant in disease. Therefore, it has been classified as a Variant of Uncertain Significance.

NM_012082.4(ZFPM2):c.2794T>C (p.Phe932Leu)

Genes: ZFPM2 (zinc finger protein, FOG family member 2; plus strand), ZFPM2-AS1 (ZFPM2 antisense RNA 1; minus strand), LOC126860469 (BRD4-independent group 4 enhancer GRCh37_chr8:106814445-106815644; plus strand). Cytogenetic location: 8q23.1.
Variant type: single nucleotide variant.
Coding change: c.2794T>C on transcript NM_012082.4 (MANE Select); coding-DNA position 2794, T replaced by C.
Protein change: p.Phe932Leu; replaces phenylalanine 932 with leucine.
Molecular consequence: missense variant.
Genome position (GRCh38, 1-based): chr8:105,802,876, T>C. VCF-style: chr8-105802876-T-C. GRCh37 (hg19) VCF-style: chr8-106815104-T-C.
Other names: c.2635T>C, p.Phe879Leu (NM_001362836.2); c.2398T>C, p.Phe800Leu (NM_001362837.2); short protein forms F800L, F932L, F879L.
Identifiers: ClinVar variation 3688325 (VCV003688325.2).